The following is an entry in ClinVar:

ClinVar aggregate classification (germline): Uncertain significance (1 of 4 stars; one submission).

Conditions:
Combined immunodeficiency due to CTPS1 deficiency. Also called: Immunodeficiency 24; Severe combined immunodeficiency due to CTPS1 deficiency. Identifiers: Orphanet 420573, MedGen C4014617, MONDO:0014391, OMIM 615897.

Allele frequency attached by ClinVar (database versions not stated): TOPMed below 0.00001.
gnomAD v4.1: 6 of 1,614,116 alleles (0.00037%); highest among the groups gnomAD compares: Non-Finnish European, 0.00051%; no homozygotes.

Submission:

Labcorp Genetics (formerly Invitae), Labcorp
Classification: Uncertain significance for Combined immunodeficiency due to CTPS1 deficiency. Last evaluated: 2023-04-25. Review status: criteria provided, single submitter. Criteria: Invitae Variant Classification Sherloc (09022015). Collection method: clinical testing. Allele origin: germline.
Comment: This sequence change replaces glycine, which is neutral and non-polar, with arginine, which is basic and polar, at codon 446 of the CTPS1 protein (p.Gly446Arg). This variant is not present in population databases (gnomAD no frequency). This variant has not been reported in the literature in individuals affected with CTPS1-related conditions. An algorithm developed to predict the effect of missense changes on protein structure and function (PolyPhen-2) suggests that this variant is likely to be disruptive. Algorithms developed to predict the effect of sequence changes on RNA splicing suggest that this variant may disrupt the consensus splice site. In summary, the available evidence is currently insufficient to determine the role of this variant in disease. Therefore, it has been classified as a Variant of Uncertain Significance.

NM_001905.4(CTPS1):c.1336G>A (p.Gly446Arg)

Genes: CTPS1 (CTP synthase 1; plus strand), LOC126805717 (MED14-independent group 3 enhancer GRCh37_chr1:41472557-41473756; plus strand). Cytogenetic location: 1p34.2.
Variant type: single nucleotide variant.
Coding change: c.1336G>A on transcript NM_001905.4 (MANE Select); coding-DNA position 1336, G replaced by A.
Protein change: p.Gly446Arg; replaces glycine 446 with arginine.
Molecular consequence: missense variant. On other transcripts: non-coding transcript variant (1).
Genome position (GRCh38, 1-based): chr1:41,007,488, G>A. VCF-style: chr1-41007488-G-A. GRCh37 (hg19) VCF-style: chr1-41473160-G-A.
Other names: c.868G>A, p.Gly290Arg (NM_001301237.2); short protein forms G446R, G290R.
Identifiers: ClinVar variation 2799975 (VCV002799975.3), dbSNP rs776113998, ClinGen allele CA21149971.
Genomic context (GRCh38, chr1:41,007,488, plus strand): 5'-CTGTTTTCTGAACATCTCCAGGTCGTAGACATGCCAGAACACAACCCAGGGCAGATGGGC[G>A]GAACCATGAGGCTGGGCAAGAGGAGAACCCTGTTCCAGACCAAGAACTCAGTCATGAGTA-3'
Protein context (NP_001896.2, residues 436-456): MPEHNPGQMG[Gly446Arg]TMRLGKRRTL